The following is an entry in ClinVar:

ClinVar aggregate classification (germline): Uncertain significance (1 of 4 stars; one submission).

Conditions:
Hereditary cancer-predisposing syndrome. Also called: Tumor predisposition; Neoplastic Syndromes, Hereditary; Hereditary neoplastic syndrome; Hereditary Cancer Syndrome. Identifiers: Orphanet 140162, MedGen C0027672, MeSH D009386, MONDO:0015356.

Submission:

Ambry Genetics
Classification: Uncertain significance for Hereditary cancer-predisposing syndrome. Last evaluated: 2024-10-28. Review status: criteria provided, single submitter. Criteria: Ambry Variant Classification Scheme 2023. Collection method: clinical testing. Allele origin: germline.
Comment: The p.L101Q variant (also known as c.302T>A), located in coding exon 2 of the STK11 gene, results from a T to A substitution at nucleotide position 302. The leucine at codon 101 is replaced by glutamine, an amino acid with dissimilar properties. This amino acid position is conserved. In addition, this alteration is predicted to be deleterious by in silico analysis. Based on the available evidence, the clinical significance of this variant remains unclear.

NM_000455.5(STK11):c.302T>A (p.Leu101Gln)

Gene: STK11 (serine/threonine kinase 11; plus strand). Cytogenetic location: 19p13.3.
Variant type: single nucleotide variant.
Coding change: c.302T>A on transcript NM_000455.5 (MANE Select); coding-DNA position 302, T replaced by A.
Protein change: p.Leu101Gln; replaces leucine 101 with glutamine.
Molecular consequence: missense variant. On other transcripts: non-coding transcript variant (1).
Genome position (GRCh38, 1-based): chr19:1,218,428, T>A. VCF-style: chr19-1218428-T-A. GRCh37 (hg19) VCF-style: chr19-1218427-T-A.
Other names: c.302T>A, p.Leu101Gln (NM_001407255.1); short protein forms L101Q.
Identifiers: ClinVar variation 3450583 (VCV003450583.1).